The following is an entry in ClinVar:

ClinVar aggregate classification (germline): Uncertain significance (1 of 4 stars; one submission).

Conditions:
Primary familial hypertrophic cardiomyopathy (HCM). Identifiers: Orphanet 99739, MedGen C0949658, MeSH D024741, MONDO:0024573. Inheritance: Various modes of inheritance.
Dilated cardiomyopathy 1AA (CMD1AA). Also called: CARDIOMYOPATHY, DILATED, 1AA, WITH OR WITHOUT LEFT VENTRICULAR NONCOMPACTION; CARDIOMYOPATHY, FAMILIAL HYPERTROPHIC, 23, WITH OR WITHOUT LEFT VENTRICULAR NONCOMPACTION; Cardiomyopathy, dilated, 1AA, with or without LVNC. Identifiers: Orphanet 154, MedGen C2677338, MONDO:0012808, OMIM 612158.

Submission:

Labcorp Genetics (formerly Invitae), Labcorp
Classification: Uncertain significance for Primary familial hypertrophic cardiomyopathy; Dilated cardiomyopathy 1AA. Last evaluated: 2021-10-16. Review status: criteria provided, single submitter. Criteria: Invitae Variant Classification Sherloc (09022015). Collection method: clinical testing. Allele origin: germline.
Comment: In summary, the available evidence is currently insufficient to determine the role of this variant in disease. Therefore, it has been classified as a Variant of Uncertain Significance. Advanced modeling of protein sequence and biophysical properties (such as structural, functional, and spatial information, amino acid conservation, physicochemical variation, residue mobility, and thermodynamic stability) performed at Invitae indicates that this missense variant is not expected to disrupt ACTN2 protein function. This variant has not been reported in the literature in individuals affected with ACTN2-related conditions. This variant is not present in population databases (ExAC no frequency). This sequence change replaces leucine with phenylalanine at codon 139 of the ACTN2 protein (p.Leu139Phe). The leucine residue is highly conserved and there is a small physicochemical difference between leucine and phenylalanine.

NM_001103.4(ACTN2):c.415C>T (p.Leu139Phe)

Gene: ACTN2 (actinin alpha 2; plus strand). Cytogenetic location: 1q43.
Variant type: single nucleotide variant.
Coding change: c.415C>T on transcript NM_001103.4 (MANE Select); coding-DNA position 415, C replaced by T.
Protein change: p.Leu139Phe; replaces leucine 139 with phenylalanine.
Molecular consequence: missense variant. On other transcripts: 5 prime UTR variant (1).
Genome position (GRCh38, 1-based): chr1:236,720,158, C>T. VCF-style: chr1-236720158-C-T. GRCh37 (hg19) VCF-style: chr1-236883458-C-T.
Other names: c.415C>T, p.Leu139Phe (NM_001278343.2); c.-407C>T (NM_001278344.2); short protein forms L139F.
Identifiers: ClinVar variation 1387493 (VCV001387493.6), dbSNP rs2102896567, ClinGen allele CA345374095.
Genomic context (GRCh38, chr1:236,720,158, plus strand): 5'-CCTGCAGAAATTGTTGATGGCAACGTGAAAATGACCCTGGGTATGATCTGGACCATCATC[C>T]TTCGCTTTGCTATTCAGGATATTTCGGTTGAAGGTAAAAGACATGGTTAAAAGTCTAATT-3'
Protein context (NP_001094.1, residues 129-149): MTLGMIWTII[Leu139Phe]RFAIQDISVE